The following is an entry in ClinVar:

NM_005068.3(SIM1):c.1984A>C (p.Asn662His)

Gene: SIM1 (SIM bHLH transcription factor 1; minus strand). Cytogenetic location: 6q16.3.
Variant type: single nucleotide variant.
Coding change: c.1984A>C on transcript NM_005068.3 (MANE Select); coding-DNA position 1984, A replaced by C.
Protein change: p.Asn662His; replaces asparagine 662 with histidine.
Molecular consequence: missense variant.
Genome position (GRCh38, 1-based): chr6:100,390,678, T>G on the plus strand (A>C on the coding strand, the complement: SIM1 is on the minus strand). VCF-style: chr6-100390678-T-G. GRCh37 (hg19) VCF-style: chr6-100838554-T-G.
Other names: c.1984A>C, p.Asn662His (NM_001374769.1); short protein forms N662H.
Identifiers: ClinVar variation 4165337 (VCV004165337.2).

ClinVar aggregate classification (germline): Uncertain significance. Review status: criteria provided, multiple submitters, no conflicts (2 of 4 stars). 2 submissions from 2 submitters: Uncertain significance (2). Last evaluated 2026-06-17.

Conditions:
Inborn genetic diseases. Identifiers: MedGen C0950123, MeSH D030342.
SIM1-related disorder. Also called: SIM1-related disorders; SIM1-related condition.

gnomAD v4.1: 1 of 1,614,166 alleles (0.000062%); highest among the groups gnomAD compares: Non-Finnish European, 0.000085%; no homozygotes.

Submissions (2):

PreventionGenetics, part of Exact Sciences
Classification: Uncertain significance for SIM1-related condition. Last evaluated: 2026-06-17. Review status: criteria provided, single submitter. Criteria: ACMG Guidelines, 2015. Collection method: clinical testing. Allele origin: germline.
Comment: The SIM1 c.1984A>C variant is predicted to result in the amino acid substitution p.Asn662His. To our knowledge, this variant has not been reported in the literature. This variant is reported in 0.00088% of alleles in individuals of European (Non-Finnish) descent in gnomAD. At this time, the clinical significance of this variant is uncertain due to the absence of conclusive functional and genetic evidence.

Ambry Genetics
Classification: Uncertain significance for Inborn genetic diseases. Last evaluated: 2025-08-20. Review status: criteria provided, single submitter. Criteria: Ambry Variant Classification Scheme 2023. Collection method: clinical testing. Allele origin: germline.